The following is an entry in ClinVar:

ClinVar aggregate classification (germline): Likely benign (1 of 4 stars; one submission).

gnomAD v4.1: 26 of 1,613,586 alleles (0.0016%); highest among the groups gnomAD compares: Middle Eastern, 0.016%; no homozygotes.

Submission:

CeGaT Center for Human Genetics Tuebingen
Classification: Likely benign. Last evaluated: 2026-06-01. Review status: criteria provided, single submitter. Criteria: CeGaT Center For Human Genetics Tuebingen Variant Classification Criteria Version 2. Collection method: clinical testing. Allele origin: germline. Affected: yes. Observed: 1 variant allele.
Comment: GRIA4: BP4, BP7

NM_000829.4(GRIA4):c.333C>T (p.Ser111=)

Gene: GRIA4 (glutamate ionotropic receptor AMPA type subunit 4; plus strand). Cytogenetic location: 11q22.3.
Variant type: single nucleotide variant.
Coding change: c.333C>T on transcript NM_000829.4 (MANE Select); coding-DNA position 333, C replaced by T.
Protein change: p.Ser111=; no amino-acid change (serine 111 retained).
Molecular consequence: synonymous variant. On other transcripts: non-coding transcript variant (1).
Genome position (GRCh38, 1-based): chr11:105,753,066, C>T. VCF-style: chr11-105753066-C-T. GRCh37 (hg19) VCF-style: chr11-105623792-C-T.
Other names: c.333C>T, p.Ser111= (NM_001077243.3, NM_001077244.2, NM_001112812.2 and 20 more transcripts).
Identifiers: ClinVar variation 4872398 (VCV004872398.2).